The following is an entry in ClinVar:

ClinVar aggregate classification (germline): Uncertain significance (1 of 4 stars; one submission).

Conditions:
Inborn genetic diseases. Identifiers: MedGen C0950123, MeSH D030342.

Allele frequency attached by ClinVar (database versions not stated): ExAC 0.00001.

Submission:

Ambry Genetics
Classification: Uncertain significance for Inborn genetic diseases. Last evaluated: 2022-02-23. Review status: criteria provided, single submitter. Criteria: Ambry Variant Classification Scheme 2023. Collection method: clinical testing. Allele origin: germline.
Comment: The p.D815Y variant (also known as c.2443G>T), located in coding exon 11 of the ATR gene, results from a G to T substitution at nucleotide position 2443. The aspartic acid at codon 815 is replaced by tyrosine, an amino acid with highly dissimilar properties. This amino acid position is conserved. In addition, this alteration is predicted to be deleterious by in silico analysis. Since supporting evidence is limited at this time, the clinical significance of this alteration remains unclear.

NM_001184.4(ATR):c.2443G>T (p.Asp815Tyr)

Gene: ATR (ATR checkpoint kinase; minus strand). Cytogenetic location: 3q23.
Variant type: single nucleotide variant.
Coding change: c.2443G>T on transcript NM_001184.4 (MANE Select); coding-DNA position 2443, G replaced by T.
Protein change: p.Asp815Tyr; replaces aspartic acid 815 with tyrosine.
Molecular consequence: missense variant.
Genome position (GRCh38, 1-based): chr3:142,553,914, C>A on the plus strand (G>T on the coding strand, the complement: ATR is on the minus strand). VCF-style: chr3-142553914-C-A. GRCh37 (hg19) VCF-style: chr3-142272756-C-A.
Other names: c.2251G>T, p.Asp751Tyr (NM_001354579.2); short protein forms D751Y, D815Y.
Identifiers: ClinVar variation 1791362 (VCV001791362.2), dbSNP rs768453013, ClinGen allele CA2650358.